The following is an entry in ClinVar:

NM_001374736.1(DST):c.21864+13T>C

Gene: DST (dystonin; minus strand). Cytogenetic location: 6p12.1.
Variant type: single nucleotide variant.
Coding change: c.21864+13T>C on transcript NM_001374736.1 (MANE Select); 13 bases into the intron after coding-DNA position 21864, T replaced by C.
Molecular consequence: intron variant.
Genome position (GRCh38, 1-based): chr6:56,476,136, A>G on the plus strand (T>C on the coding strand, the complement: DST is on the minus strand). VCF-style: chr6-56476136-A-G. GRCh37 (hg19) VCF-style: chr6-56340934-A-G.
Other names: c.15507+13T>C (NM_001144769.5); c.21864+13T>C (NM_001374722.1); c.21891+13T>C (NM_001374734.1); c.15093+13T>C (NM_001144770.2); c.14646+13T>C (NM_001374730.1); c.14973+13T>C (NM_001386100.1, NM_183380.4); c.20904+13T>C (NM_001374729.1); c.13995+13T>C (NM_015548.5).
Identifiers: ClinVar variation 2146822 (VCV002146822.2), dbSNP rs1464509916, ClinGen allele CA2549553430.

ClinVar aggregate classification (germline): Conflicting classifications of pathogenicity. Review status: criteria provided, conflicting classifications (1 of 4 stars). 2 submissions from 2 submitters: Uncertain significance (1); Likely benign (1). Last evaluated 2023-09-13.

Conditions:
Epidermolysis bullosa simplex 3, localized or generalized intermediate, with BP230 deficiency (EBS3). Also called: Epidermolysis bullosa simplex, autosomal recessive 2; Epidermolysis bullosa simplex due to BP230 deficiency. Identifiers: Orphanet 412181, MedGen C3809470, MONDO:0014180, OMIM 615425.
Hereditary sensory and autonomic neuropathy type 6. Also called: Neuropathy, hereditary sensory and autonomic, type VI; HSAN VI. Identifiers: Orphanet 314381, MedGen C3539003, MONDO:0013839, OMIM 614653.

gnomAD v4.1: 34 of 1,587,324 alleles (0.0021%); highest among the groups gnomAD compares: Non-Finnish European, 0.0028%; no homozygotes.

Submissions (2):

Blueprint Genetics
Classification: Likely benign. Last evaluated: 2023-09-13. Review status: criteria provided, single submitter. Criteria: ACMG Guidelines, 2015. Collection method: clinical testing. Allele origin: germline.

Labcorp Genetics (formerly Invitae), Labcorp
Classification: Uncertain significance for Epidermolysis bullosa simplex 3, localized or generalized intermediate, with BP230 deficiency; Hereditary sensory and autonomic neuropathy type 6. Last evaluated: 2022-10-13. Review status: criteria provided, single submitter. Criteria: Invitae Variant Classification Sherloc (09022015). Collection method: clinical testing. Allele origin: germline.
Comment: The DST gene has multiple clinically relevant transcripts. This variant occurs in alternate transcript NM_015548.4, and corresponds to NM_001723.5:c.*139381T>C in the primary transcript. This sequence change falls in intron 73 of the DST gene. It does not directly change the encoded amino acid sequence of the DST protein. This variant is not present in population databases (gnomAD no frequency). This variant has not been reported in the literature in individuals affected with DST-related conditions. Experimental studies and prediction algorithms are not available or were not evaluated, and the effect of this variant on mRNA splicing is currently unknown. In summary, the available evidence is currently insufficient to determine the role of this variant in disease. Therefore, it has been classified as a Variant of Uncertain Significance.